The following is an entry in ClinVar:

ClinVar aggregate classification (germline): Uncertain significance. Review status: criteria provided, multiple submitters, no conflicts (2 of 4 stars). 2 submissions from 2 submitters: Uncertain significance (2). Last evaluated 2022-06-22.

Conditions:
Farber lipogranulomatosis (FRBRL). Also called: Farber's lipogranulomatosis; Farber's disease; Farber disease; AC DEFICIENCY; ACID CERAMIDASE DEFICIENCY; CERAMIDASE DEFICIENCY. Identifiers: Orphanet 333, MedGen C0268255, MONDO:0009218, OMIM 228000.

gnomAD v4.1: 11 of 1,591,368 alleles (0.00069%); highest among the groups gnomAD compares: East Asian, 0.0022%; no homozygotes.

Submissions (2):

Labcorp Genetics (formerly Invitae), Labcorp
Classification: Uncertain significance. Last evaluated: 2022-06-22. Review status: criteria provided, single submitter. Criteria: Invitae Variant Classification Sherloc (09022015). Collection method: clinical testing. Allele origin: germline.
Comment: This sequence change replaces valine, which is neutral and non-polar, with methionine, which is neutral and non-polar, at codon 88 of the ASAH1 protein (p.Val88Met). This variant is not present in population databases (gnomAD no frequency). This variant has not been reported in the literature in individuals affected with ASAH1-related conditions. ClinVar contains an entry for this variant (Variation ID: 362383). Algorithms developed to predict the effect of missense changes on protein structure and function are either unavailable or do not agree on the potential impact of this missense change (SIFT: "Deleterious"; PolyPhen-2: "Possibly Damaging"; Align-GVGD: "Class C0"). In summary, the available evidence is currently insufficient to determine the role of this variant in disease. Therefore, it has been classified as a Variant of Uncertain Significance.

Illumina Laboratory Services, Illumina
Classification: Uncertain significance for Farber lipogranulomatosis. Last evaluated: 2018-01-13. Review status: criteria provided, single submitter. Criteria: ICSL Variant Classification Criteria 13 December 2019. Collection method: clinical testing. Allele origin: germline.

NM_177924.5(ASAH1):c.262G>A (p.Val88Met)

Gene: ASAH1 (N-acylsphingosine amidohydrolase 1; minus strand). Cytogenetic location: 8p22.
Variant type: single nucleotide variant.
Coding change: c.262G>A on transcript NM_177924.5 (MANE Select); coding-DNA position 262, G replaced by A.
Protein change: p.Val88Met; replaces valine 88 with methionine.
Molecular consequence: missense variant. On other transcripts: intron variant (1).
Genome position (GRCh38, 1-based): chr8:18,069,833, C>T on the plus strand (G>A on the coding strand, the complement: ASAH1 is on the minus strand). VCF-style: chr8-18069833-C-T. GRCh37 (hg19) VCF-style: chr8-17927342-C-T.
Other names: c.67G>A, p.Val23Met (NM_001363743.2); c.310G>A, p.Val104Met (NM_004315.6); c.285+1467G>A (NM_001127505.3); short protein forms V104M, V88M, V23M.
Identifiers: ClinVar variation 362383 (VCV000362383.9), dbSNP rs368365768, ClinGen allele CA10625099.